The following is an entry in ClinVar:

NM_002353.3(TACSTD2):c.*280T>C

Gene: TACSTD2 (tumor associated calcium signal transducer 2; minus strand). Cytogenetic location: 1p32.1.
Variant type: single nucleotide variant.
Coding change: c.*280T>C on transcript NM_002353.3 (MANE Select); 280 bases downstream of the stop codon, T replaced by C.
Molecular consequence: 3 prime UTR variant.
Genome position (GRCh38, 1-based): chr1:58,575,905, A>G on the plus strand (T>C on the coding strand, the complement: TACSTD2 is on the minus strand). VCF-style: chr1-58575905-A-G. GRCh37 (hg19) VCF-style: chr1-59041577-A-G.
Identifiers: ClinVar variation 297756 (VCV000297756.6), dbSNP rs3551, ClinGen allele CA10610547.

ClinVar aggregate classification (germline): Benign. Review status: criteria provided, multiple submitters, no conflicts (2 of 4 stars). 2 submissions from 2 submitters: Benign (2). Last evaluated 2018-01-13.

Conditions:
Gelatinous droplike corneal dystrophy (GDLD). Also called: AMYLOID CORNEAL DYSTROPHY, JAPANESE TYPE. Identifiers: Orphanet 98957, MedGen C0339273, MONDO:0008777, OMIM 204870.

Allele frequency attached by ClinVar (database versions not stated): gnomAD exomes 0.32686; 1000 Genomes Project 0.41294; 1000 Genomes Project 30x 0.42692; gnomAD 0.43372 and 0.44624; TOPMed 0.45206.
gnomAD v4.1: 174,228 of 482,600 alleles (36%); highest among the groups gnomAD compares: African/African-American, 75%; 36,824 homozygotes.

Submissions (2):

Illumina Laboratory Services, Illumina
Classification: Benign for Gelatinous droplike corneal dystrophy. Last evaluated: 2018-01-13. Review status: criteria provided, single submitter. Criteria: ICSL Variant Classification Criteria 13 December 2019. Collection method: clinical testing. Allele origin: germline.
Comment: This variant was observed in the ICSL laboratory as part of a predisposition screen in an ostensibly healthy population. It had not been previously curated by ICSL or reported in the Human Gene Mutation Database (HGMD: prior to June 1st, 2018), and was therefore a candidate for classification through an automated scoring system. Utilizing variant allele frequency, disease prevalence and penetrance estimates, and inheritance mode, an automated score was calculated to assess if this variant is too frequent to cause the disease. Based on the score and internal cut-off values, a variant classified as benign is not then subjected to further curation. The score for this variant resulted in a classification of benign for this disease.

Breakthrough Genomics
Classification: Benign. Review status: criteria provided, single submitter. Criteria: ACMG Guidelines, 2015. Collection method: not provided. Allele origin: germline. Inheritance: Autosomal recessive inheritance. Affected: yes.